The following is an entry in ClinVar:

NM_002894.3(RBBP8):c.1700G>C (p.Cys567Ser)

Gene: RBBP8 (RB binding protein 8, endonuclease; plus strand). Cytogenetic location: 18q11.2.
Variant type: single nucleotide variant.
Coding change: c.1700G>C on transcript NM_002894.3 (MANE Select); coding-DNA position 1700, G replaced by C.
Protein change: p.Cys567Ser; replaces cysteine 567 with serine.
Molecular consequence: missense variant.
Genome position (GRCh38, 1-based): chr18:22,993,527, G>C. VCF-style: chr18-22993527-G-C. GRCh37 (hg19) VCF-style: chr18-20573490-G-C.
Other names: c.1700G>C, p.Cys567Ser (NM_203291.2, NM_203292.2); short protein forms C567S.
Identifiers: ClinVar variation 1923387 (VCV001923387.5), dbSNP rs764998953, ClinGen allele CA8910113.

ClinVar aggregate classification (germline): Conflicting classifications of pathogenicity. Review status: criteria provided, conflicting classifications (1 of 4 stars). 2 submissions from 2 submitters: Uncertain significance (1); Likely benign (1). Last evaluated 2023-08-04.

Conditions:
Inborn genetic diseases. Identifiers: MedGen C0950123, MeSH D030342.

Allele frequency attached by ClinVar (database versions not stated): ExAC 0.00001; gnomAD exomes 0.00001; TOPMed 0.00001; gnomAD 0.00002.
gnomAD v4.1: 17 of 1,613,234 alleles (0.0011%); highest among the groups gnomAD compares: Non-Finnish European, 0.0014%; no homozygotes.

Submissions (2):

Labcorp Genetics (formerly Invitae), Labcorp
Classification: Uncertain significance. Last evaluated: 2023-08-04. Review status: criteria provided, single submitter. Criteria: Invitae Variant Classification Sherloc (09022015). Collection method: clinical testing. Allele origin: germline.
Comment: In summary, the available evidence is currently insufficient to determine the role of this variant in disease. Therefore, it has been classified as a Variant of Uncertain Significance. This sequence change replaces cysteine, which is neutral and slightly polar, with serine, which is neutral and polar, at codon 567 of the RBBP8 protein (p.Cys567Ser). This variant is present in population databases (rs764998953, gnomAD 0.002%). This variant has not been reported in the literature in individuals affected with RBBP8-related conditions. ClinVar contains an entry for this variant (Variation ID: 1923387). Advanced modeling of protein sequence and biophysical properties (such as structural, functional, and spatial information, amino acid conservation, physicochemical variation, residue mobility, and thermodynamic stability) performed at Invitae indicates that this missense variant is not expected to disrupt RBBP8 protein function.

Ambry Genetics
Classification: Likely benign for Inborn genetic diseases. Last evaluated: 2022-06-29. Review status: criteria provided, single submitter. Criteria: Ambry Variant Classification Scheme 2023. Collection method: clinical testing. Allele origin: germline.